The following is an entry in ClinVar:

ClinVar aggregate classification (germline): Uncertain significance (1 of 4 stars; one submission).

Conditions:
Muscular dystrophy-dystroglycanopathy (congenital with brain and eye anomalies), type a, 11 (MDDGA11). Also called: Muscular dystrophy-dystroglycanopathy (congenital with brain and eye anomalies, type A, 11; Congenital muscular dystrophy-dystroglycanopathy with brain and eye anomalies, type A11; WALKER-WARBURG SYNDROME OR MUSCLE-EYE-BRAIN DISEASE, B3GALNT2-RELATED. Identifiers: Orphanet 588, Orphanet 899, MedGen C3554638, MONDO:0014071, OMIM 615181.

Allele frequency attached by ClinVar (database versions not stated): TOPMed below 0.00001; gnomAD exomes 0.00001; ExAC 0.00002; gnomAD 0.00002.

Submission:

Labcorp Genetics (formerly Invitae), Labcorp
Classification: Uncertain significance for Muscular dystrophy-dystroglycanopathy (congenital with brain and eye anomalies), type a, 11. Last evaluated: 2022-05-27. Review status: criteria provided, single submitter. Criteria: Invitae Variant Classification Sherloc (09022015). Collection method: clinical testing. Allele origin: germline.
Comment: Algorithms developed to predict the effect of missense changes on protein structure and function are either unavailable or do not agree on the potential impact of this missense change (SIFT: "Deleterious"; PolyPhen-2: "Benign"; Align-GVGD: "Class C0"). In summary, the available evidence is currently insufficient to determine the role of this variant in disease. Therefore, it has been classified as a Variant of Uncertain Significance. This variant has not been reported in the literature in individuals affected with B3GALNT2-related conditions. This variant is present in population databases (rs776721069, gnomAD 0.009%). This sequence change replaces serine, which is neutral and polar, with leucine, which is neutral and non-polar, at codon 430 of the B3GALNT2 protein (p.Ser430Leu).

NM_152490.5(B3GALNT2):c.1289C>T (p.Ser430Leu)

Gene: B3GALNT2 (beta-1,3-N-acetylgalactosaminyltransferase 2; minus strand). Cytogenetic location: 1q42.3.
Variant type: single nucleotide variant.
Coding change: c.1289C>T on transcript NM_152490.5 (MANE Select); coding-DNA position 1289, C replaced by T.
Protein change: p.Ser430Leu; replaces serine 430 with leucine.
Molecular consequence: missense variant.
Genome position (GRCh38, 1-based): chr1:235,454,178, G>A on the plus strand (C>T on the coding strand, the complement: B3GALNT2 is on the minus strand). VCF-style: chr1-235454178-G-A. GRCh37 (hg19) VCF-style: chr1-235617490-G-A.
Other names: short protein forms S430L.
Identifiers: ClinVar variation 1912693 (VCV001912693.5), dbSNP rs776721069, ClinGen allele CA1464640.
Genomic context (GRCh38, chr1:235,454,178, plus strand): 5'-CAAGAGCCACCACGCCAAGCTAAGAAATTCTTAATTACCTGATAGGTCTTTAACCTCCCC[G>A]AGTTGCTTGCCAGCCACTTGACGATGTCCTTGGAGATCACATATCCTGACCCACATGCAA-3'
Protein context (NP_689703.1, residues 420-440): KDIVKWLASN[Ser430Leu]GRLKTYQGED